The following is an entry in ClinVar:

NM_001690.4(ATP6V1A):c.1705A>G (p.Ile569Val)

Gene: ATP6V1A (ATPase H+ transporting V1 subunit A; plus strand). Cytogenetic location: 3q13.31.
Variant type: single nucleotide variant.
Coding change: c.1705A>G on transcript NM_001690.4 (MANE Select); coding-DNA position 1705, A replaced by G.
Protein change: p.Ile569Val; replaces isoleucine 569 with valine.
Molecular consequence: missense variant.
Genome position (GRCh38, 1-based): chr3:113,805,469, A>G. VCF-style: chr3-113805469-A-G. GRCh37 (hg19) VCF-style: chr3-113524316-A-G.
Other names: c.1705A>G (NM_001690.3); short protein forms I569V.
Identifiers: ClinVar variation 2042211 (VCV002042211.5), dbSNP rs1159395947, ClinGen allele CA353993854.

ClinVar aggregate classification (germline): Uncertain significance. Review status: criteria provided, multiple submitters, no conflicts (2 of 4 stars). 2 submissions from 2 submitters: Uncertain significance (2). Last evaluated 2025-09-22.

Conditions:
Inborn genetic diseases. Identifiers: MedGen C0950123, MeSH D030342.

Allele frequency attached by ClinVar (database versions not stated): TOPMed 0.00001; gnomAD 0.00002.
gnomAD v4.1: 7 of 1,613,928 alleles (0.00043%); highest among the groups gnomAD compares: Non-Finnish European, 0.00059%; no homozygotes.

Submissions (2):

Labcorp Genetics (formerly Invitae), Labcorp
Classification: Uncertain significance. Last evaluated: 2025-09-22. Review status: criteria provided, single submitter. Criteria: Invitae Variant Classification Sherloc (09022015). Collection method: clinical testing. Allele origin: germline.
Comment: This sequence change replaces isoleucine, which is neutral and non-polar, with valine, which is neutral and non-polar, at codon 569 of the ATP6V1A protein (p.Ile569Val). This variant is present in population databases (no rsID available, gnomAD 0.0009%). This variant has not been reported in the literature in individuals affected with ATP6V1A-related conditions. ClinVar contains an entry for this variant (Variation ID: 2042211). Invitae Evidence Modeling of protein sequence and biophysical properties (such as structural, functional, and spatial information, amino acid conservation, physicochemical variation, residue mobility, and thermodynamic stability) indicates that this missense variant is not expected to disrupt ATP6V1A protein function with a negative predictive value of 80%. In summary, the available evidence is currently insufficient to determine the role of this variant in disease. Therefore, it has been classified as a Variant of Uncertain Significance.

Ambry Genetics
Classification: Uncertain significance for Inborn genetic diseases. Last evaluated: 2024-11-25. Review status: criteria provided, single submitter. Criteria: Ambry Variant Classification Scheme 2023. Collection method: clinical testing. Allele origin: germline.